The following is an entry in ClinVar:

NM_001170535.3(ATAD3A):c.1349T>C (p.Val450Ala)

Gene: ATAD3A (ATPase family AAA domain containing 3A; plus strand). Cytogenetic location: 1p36.33.
Variant type: single nucleotide variant.
Coding change: c.1349T>C on transcript NM_001170535.3 (MANE Select); coding-DNA position 1349, T replaced by C.
Protein change: p.Val450Ala; replaces valine 450 with alanine.
Molecular consequence: missense variant.
Genome position (GRCh38, 1-based): chr1:1,527,706, T>C. VCF-style: chr1-1527706-T-C. GRCh37 (hg19) VCF-style: chr1-1463086-T-C.
Other names: c.1112T>C, p.Val371Ala (NM_001170536.3); c.1493T>C, p.Val498Ala (NM_018188.5); short protein forms V371A, V450A, V498A.
Identifiers: ClinVar variation 3899234 (VCV003899234.1).

ClinVar aggregate classification (germline): Uncertain significance (0 of 4 stars; one submission).

Conditions:
Harel-Yoon syndrome (HAYOS). Also called: Optic atrophy-peripheral neuropathy-developmental delay syndrome. Identifiers: Orphanet 496790, MedGen C4310677, MONDO:0014958, OMIM 617183.

Submission:

Diagnostics Centre, Carl Von Ossietzky University Oldenburg
Classification: Uncertain significance for Harel-Yoon syndrome. Last evaluated: 2024-12-20. Review status: no assertion criteria provided. Collection method: clinical testing. Allele origin: germline. Affected: yes. Observed: 1 variant allele.
Comment: The variant ATAD3A:c.1349T>C p.(Val450Ala), located in the coding exon 14 of ATAD3A gene, results from a thymine to cytosine substitution at nucleotide position c.1349. The valine residue at protein position 450 is replaced by an alanine. The affected position is located in the functionally relevant AAA domain (ATPase family associated with various cellular activities) of the protein. In silico tools predict a moderate impact in protein structure and function (Revel = 0.891). The variant has not yet been described in ClinVar. This variant is classified as very rare since it is absent in gnomAD v4.1.0. In summary, the variant is classified as variant of unclear significance.